The following is an entry in ClinVar:

NM_000275.3(OCA2):c.1630A>G (p.Ile544Val)

Gene: OCA2 (OCA2 melanosomal transmembrane protein; minus strand). Cytogenetic location: 15q13.1.
Variant type: single nucleotide variant.
Coding change: c.1630A>G on transcript NM_000275.3 (MANE Select); coding-DNA position 1630, A replaced by G.
Protein change: p.Ile544Val; replaces isoleucine 544 with valine.
Molecular consequence: missense variant.
Genome position (GRCh38, 1-based): chr15:27,966,696, T>C on the plus strand (A>G on the coding strand, the complement: OCA2 is on the minus strand). VCF-style: chr15-27966696-T-C. GRCh37 (hg19) VCF-style: chr15-28211842-T-C.
Other names: c.1558A>G, p.Ile520Val (NM_001300984.2); c.1630A>G (NM_000275.2); short protein forms I520V, I544V.
Identifiers: ClinVar variation 1351142 (VCV001351142.6), dbSNP rs1172037395, ClinGen allele CA391356956.
Genomic context (GRCh38, chr15:27,966,696, plus strand): 5'-AACAATATTATGGTCATGAAATCTGAGCCTACATGAGGTTGCACTTGTACTCACCAACAA[T>C]CTCACTGGGTTCCTTGTTATAAAGCTTTCTGTTCCAGTAAAGGAGTCTGAGGAGCGGAAA-3'
Protein context (NP_000266.2, residues 534-554): RKLYNKEPSE[Ile544Val]VELKHEIHVW

ClinVar aggregate classification (germline): Uncertain significance. Review status: criteria provided, multiple submitters, no conflicts (2 of 4 stars). 2 submissions from 2 submitters: Uncertain significance (2). Last evaluated 2025-12-05.

Conditions:
Inborn genetic diseases. Identifiers: MedGen C0950123, MeSH D030342.

Allele frequency attached by ClinVar (database versions not stated): gnomAD exomes below 0.00001.
gnomAD v4.1: 7 of 1,613,982 alleles (0.00043%); highest among the groups gnomAD compares: Admixed American, 0.0017%; no homozygotes.

Submissions (2):

Ambry Genetics
Classification: Uncertain significance for Inborn genetic diseases. Last evaluated: 2025-12-05. Review status: criteria provided, single submitter. Criteria: Ambry Variant Classification Scheme 2023. Collection method: clinical testing. Allele origin: germline.

Labcorp Genetics (formerly Invitae), Labcorp
Classification: Uncertain significance. Last evaluated: 2021-08-31. Review status: criteria provided, single submitter. Criteria: Invitae Variant Classification Sherloc (09022015). Collection method: clinical testing. Allele origin: germline.
Comment: This sequence change replaces isoleucine with valine at codon 544 of the OCA2 protein (p.Ile544Val). The isoleucine residue is highly conserved and there is a small physicochemical difference between isoleucine and valine. This variant is not present in population databases (ExAC no frequency). This variant has not been reported in the literature in individuals affected with OCA2-related conditions. Advanced modeling of protein sequence and biophysical properties (such as structural, functional, and spatial information, amino acid conservation, physicochemical variation, residue mobility, and thermodynamic stability) performed at Invitae indicates that this missense variant is not expected to disrupt OCA2 protein function. Algorithms developed to predict the effect of sequence changes on RNA splicing suggest that this variant may create or strengthen a splice site. In summary, the available evidence is currently insufficient to determine the role of this variant in disease. Therefore, it has been classified as a Variant of Uncertain Significance.